The following is an entry in ClinVar:

NM_006231.4(POLE):c.6213G>T (p.Gln2071His)

Gene: POLE (DNA polymerase epsilon, catalytic subunit; minus strand). Cytogenetic location: 12q24.33.
Variant type: single nucleotide variant.
Coding change: c.6213G>T on transcript NM_006231.4 (MANE Select); coding-DNA position 6213, G replaced by T.
Protein change: p.Gln2071His; replaces glutamine 2071 with histidine.
Molecular consequence: missense variant.
Genome position (GRCh38, 1-based): chr12:132,632,432, C>A on the plus strand (G>T on the coding strand, the complement: POLE is on the minus strand). VCF-style: chr12-132632432-C-A. GRCh37 (hg19) VCF-style: chr12-133209018-C-A.
Other names: short protein forms Q2071H.
Identifiers: ClinVar variation 3308438 (VCV003308438.1).

ClinVar aggregate classification (germline): Uncertain significance (1 of 4 stars; one submission).

Conditions:
Hereditary cancer-predisposing syndrome. Also called: Neoplastic Syndromes, Hereditary; Tumor predisposition; Hereditary neoplastic syndrome; Hereditary Cancer Syndrome. Identifiers: Orphanet 140162, MedGen C0027672, MeSH D009386, MONDO:0015356.

Submission:

Ambry Genetics
Classification: Uncertain significance for Hereditary cancer-predisposing syndrome. Last evaluated: 2024-06-16. Review status: criteria provided, single submitter. Criteria: Ambry Variant Classification Scheme 2023. Collection method: clinical testing. Allele origin: germline.
Comment: The p.Q2071H variant (also known as c.6213G>T), located in coding exon 45 of the POLE gene, results from a G to T substitution at nucleotide position 6213. The glutamine at codon 2071 is replaced by histidine, an amino acid with highly similar properties. This amino acid position is conserved. In addition, this alteration is predicted to be tolerated by in silico analysis. Based on the available evidence, the clinical significance of this variant remains unclear.